The following is an entry in ClinVar:

NM_001322934.2(NFKB2):c.808T>C (p.Trp270Arg)

Gene: NFKB2 (nuclear factor kappa B subunit 2; plus strand). Cytogenetic location: 10q24.32.
Variant type: single nucleotide variant.
Coding change: c.808T>C on transcript NM_001322934.2 (MANE Select); coding-DNA position 808, T replaced by C.
Protein change: p.Trp270Arg; replaces tryptophan 270 with arginine.
Molecular consequence: missense variant.
Genome position (GRCh38, 1-based): chr10:102,398,253, T>C. VCF-style: chr10-102398253-T-C. GRCh37 (hg19) VCF-style: chr10-104158010-T-C.
Other names: c.808T>C, p.Trp270Arg (NM_001077494.3, NM_001261403.3, NM_001288724.1 and 2 more transcripts); short protein forms W270R.
Identifiers: ClinVar variation 1310936 (VCV001310936.2), dbSNP rs2135432246, ClinGen allele CA377897564.

ClinVar aggregate classification (germline): Uncertain significance (1 of 4 stars; one submission).

Submission:

GeneDx
Classification: Uncertain significance. Last evaluated: 2020-01-07. Review status: criteria provided, single submitter. Criteria: GeneDx Variant Classification Process June 2021. Collection method: clinical testing. Allele origin: germline. Affected: yes.
Comment: Not observed in large population cohorts (Lek et al., 2016); In silico analysis, which includes protein predictors and evolutionary conservation, supports a deleterious effect; Has not been previously published as pathogenic or benign to our knowledge